The following is an entry in ClinVar:

ClinVar aggregate classification (germline): Conflicting classifications of pathogenicity. Review status: criteria provided, conflicting classifications (1 of 4 stars). 3 submissions from 3 submitters: Uncertain significance (1); Likely benign (2). Last evaluated 2021-12-03.

Submissions (3):

Labcorp Genetics (formerly Invitae), Labcorp
Classification: Uncertain significance. Last evaluated: 2021-12-03. Review status: criteria provided, single submitter. Criteria: Invitae Variant Classification Sherloc (09022015). Collection method: clinical testing. Allele origin: germline.
Comment: This variant, c.1851_1856dup, results in the insertion of 2 amino acid(s) of the TPRN protein (p.Glu620_Glu621dup), but otherwise preserves the integrity of the reading frame. The frequency data for this variant in the population databases is considered unreliable, as metrics indicate poor data quality at this position in the gnomAD database. This variant has not been reported in the literature in individuals affected with TPRN-related conditions. ClinVar contains an entry for this variant (Variation ID: 498655). Experimental studies and prediction algorithms are not available or were not evaluated, and the functional significance of this variant is currently unknown. In summary, the available evidence is currently insufficient to determine the role of this variant in disease. Therefore, it has been classified as a Variant of Uncertain Significance.

GeneDx
Classification: Likely benign. Last evaluated: 2020-03-12. Review status: criteria provided, single submitter. Criteria: GeneDx Variant Classification Process June 2021. Collection method: clinical testing. Allele origin: germline. Affected: yes.

Eurofins Ntd Llc (ga)
Classification: Likely benign. Last evaluated: 2017-01-09. Review status: criteria provided, single submitter. Criteria: EGL Classification Definitions 2015. Collection method: clinical testing. Allele origin: germline. Observed: 1 variant allele, 1 heterozygote.

NM_001128228.3(TPRN):c.1845AGAGGA[3] (p.Glu620_Glu621dup)

Gene: TPRN (taperin; minus strand). Cytogenetic location: 9q34.3.
Variant type: Microsatellite.
Coding change: c.1845AGAGGA[3] on transcript NM_001128228.3 (MANE Select); three copies in a row of the 6-base unit AGAGGA starting at c.1845; the reference has two copies in a row; one copy, 6 bases duplicated.
Protein change: p.Glu620_Glu621dup.
Molecular consequence: inframe insertion.
Genome position (GRCh38, 1-based): chr9:137,192,561-137,192,566, TCCTCT duplicated on the plus strand (AGAGGA on the coding strand, the reverse complement: TPRN is on the minus strand); duplicating any 6 consecutive bases within chr9:137,192,561-137,192,577 gives the same sequence; the position shown is the placement nearest the transcript's 3' end. VCF-style (leftmost placement, unchanged base first): chr9-137192560-C-CTCCTCT. GRCh37 (hg19) VCF-style: chr9-140087012-C-CTCCTCT.
Identifiers: ClinVar variation 498655 (VCV000498655.12), dbSNP rs750560040, ClinGen allele CA5362619.